The following is an entry in ClinVar:

ClinVar aggregate classification (germline): Uncertain significance (1 of 4 stars; one submission).

Conditions:
Familial temporal lobe epilepsy 7. Identifiers: Orphanet 101046, MedGen C4225327, MONDO:0014639, OMIM 616436.
Norman-Roberts syndrome (LIS2). Also called: Lissencephaly 2 (Norman-Roberts type). Identifiers: Orphanet 89844, MedGen C0796089, MONDO:0009760, OMIM 257320.

Submission:

Labcorp Genetics (formerly Invitae), Labcorp
Classification: Uncertain significance for Familial temporal lobe epilepsy 7; Norman-Roberts syndrome. Last evaluated: 2022-08-16. Review status: criteria provided, single submitter. Criteria: Invitae Variant Classification Sherloc (09022015). Collection method: clinical testing. Allele origin: germline.
Comment: In summary, the available evidence is currently insufficient to determine the role of this variant in disease. Therefore, it has been classified as a Variant of Uncertain Significance. Algorithms developed to predict the effect of missense changes on protein structure and function are either unavailable or do not agree on the potential impact of this missense change (SIFT: "Deleterious"; PolyPhen-2: "Probably Damaging"; Align-GVGD: "Class C0"). This variant has not been reported in the literature in individuals affected with RELN-related conditions. This variant is not present in population databases (gnomAD no frequency). This sequence change replaces proline, which is neutral and non-polar, with serine, which is neutral and polar, at codon 1733 of the RELN protein (p.Pro1733Ser).

NM_005045.4(RELN):c.5197C>T (p.Pro1733Ser)

Gene: RELN (reelin; minus strand). Cytogenetic location: 7q22.1.
Variant type: single nucleotide variant.
Coding change: c.5197C>T on transcript NM_005045.4 (MANE Select); coding-DNA position 5197, C replaced by T.
Protein change: p.Pro1733Ser; replaces proline 1733 with serine.
Molecular consequence: missense variant.
Genome position (GRCh38, 1-based): chr7:103,565,291, G>A on the plus strand (C>T on the coding strand, the complement: RELN is on the minus strand). VCF-style: chr7-103565291-G-A. GRCh37 (hg19) VCF-style: chr7-103205738-G-A.
Other names: c.5197C>T, p.Pro1733Ser (NM_173054.3); short protein forms P1733S.
Identifiers: ClinVar variation 1716538 (VCV001716538.5), dbSNP rs2484740814, ClinGen allele CA368745455.
Genomic context (GRCh38, chr7:103,565,291, plus strand): 5'-TGACAGGCACCCAAAGTTCTGACATGTAGCCAAATGACAATTCTCACATGGTGGAGAGTG[G>A]AAGGTAGACAGTGATCCGCTTCCAATTCTGGAATCTTTCCGAGGTGTAAATTGAACTTTC-3'
Protein context (NP_005036.2, residues 1723-1743): QNWKRITVYL[Pro1733Ser]LSTISPRTRF